The following is an entry in ClinVar:

NM_170707.4(LMNA):c.64T>G (p.Ser22Ala)

Genes: LMNA (lamin A/C; plus strand), LOC129931597 (ATAC-STARR-seq lymphoblastoid silent region 1421; plus strand). Cytogenetic location: 1q22.
Variant type: single nucleotide variant.
Coding change: c.64T>G on transcript NM_170707.4 (MANE Select); coding-DNA position 64, T replaced by G.
Protein change: p.Ser22Ala; replaces serine 22 with alanine.
Molecular consequence: missense variant.
Genome position (GRCh38, 1-based): chr1:156,114,982, T>G. VCF-style: chr1-156114982-T-G. GRCh37 (hg19) VCF-style: chr1-156084773-T-G.
Other names: p.S22A:TCG>GCG; c.64T>G, p.Ser22Ala (NM_001282625.2, NM_001282626.2, NM_005572.4 and 1 more transcripts); short protein forms S22A.
Identifiers: ClinVar variation 200950 (VCV000200950.16), dbSNP rs794728599, ClinGen allele CA018394.

ClinVar aggregate classification (germline): Uncertain significance. Review status: criteria provided, multiple submitters, no conflicts (2 of 4 stars). 2 submissions from 2 submitters: Uncertain significance (2). Last evaluated 2025-08-14.

Submissions (2):

GeneDx
Classification: Uncertain significance. Last evaluated: 2025-08-14. Review status: criteria provided, single submitter. Criteria: GeneDx Variant Classification Process June 2021. Collection method: clinical testing. Allele origin: germline. Affected: yes.
Comment: Not observed at significant frequency in large population cohorts (gnomAD); In silico analysis supports that this missense variant has a deleterious effect on protein structure/function; Has not been previously published as pathogenic or benign to our knowledge; This variant is associated with the following publications: (PMID: 10939567, 34806324)

CeGaT Center for Human Genetics Tuebingen
Classification: Uncertain significance. Last evaluated: 2024-12-01. Review status: criteria provided, single submitter. Criteria: CeGaT Center For Human Genetics Tuebingen Variant Classification Criteria Version 2. Collection method: clinical testing. Allele origin: germline. Affected: yes. Observed: 1 variant allele.
Comment: LMNA: PM2, PM5, PP3